The following is an entry in ClinVar:

ClinVar aggregate classification (germline): Pathogenic (1 of 4 stars; one submission).

Conditions:
Neurofibromatosis, type 1 (NF1). Also called: VON RECKLINGHAUSEN DISEASE; Neurofibromatosis, type I; NEUROFIBROMATOSIS, TYPE I, SOMATIC; Peripheral type neurofibromatosis. Identifiers: Orphanet 636, MedGen C0027831, MONDO:0018975, OMIM 162200. Disease mechanism: loss of function.

Submission:

Labcorp Genetics (formerly Invitae), Labcorp
Classification: Pathogenic for Neurofibromatosis, type 1. Last evaluated: 2018-09-01. Review status: criteria provided, single submitter. Criteria: Invitae Variant Classification Sherloc (09022015). Collection method: clinical testing. Allele origin: germline.
Comment: This sequence change creates a premature translational stop signal (p.Leu1903*) in the NF1 gene. It is expected to result in an absent or disrupted protein product. This variant is not present in population databases (ExAC no frequency). This variant has not been reported in the literature in individuals with NF1-related disease. A different variant (c.5708delT) giving rise to the same protein effect observed here (p.Leu1903*) has been reported in an individuals with diagnosis or clinical suspicion of neurofibromatosis type 1 (PMID: 18546366, 24789688), indicating that this residue may be critical for protein function. Loss-of-function variants in NF1 are known to be pathogenic (PMID: 10712197, 23913538). For these reasons, this variant has been classified as Pathogenic.

Literature cited by the submitters: PubMed 18546366; PubMed 24789688; PubMed 10712197; PubMed 23913538.

NM_001042492.3(NF1):c.5771T>A (p.Leu1924Ter)

Gene: NF1 (neurofibromin 1; plus strand). Cytogenetic location: 17q11.2.
Variant type: single nucleotide variant.
Coding change: c.5771T>A on transcript NM_001042492.3 (MANE Select); coding-DNA position 5771, T replaced by A.
Protein change: p.Leu1924Ter; replaces leucine 1924 with a stop codon.
Molecular consequence: nonsense.
Genome position (GRCh38, 1-based): chr17:31,330,457, T>A. VCF-style: chr17-31330457-T-A. GRCh37 (hg19) VCF-style: chr17-29657475-T-A.
Other names: c.5708T>A, p.Leu1903Ter (NM_000267.4); short protein forms L1924*, L1903*.
Identifiers: ClinVar variation 649928 (VCV000649928.5), dbSNP rs1198491194, ClinGen allele CA399010434.